The following is an entry in ClinVar:

NM_004036.5(ADCY3):c.407G>A (p.Arg136His)

Gene: ADCY3 (adenylate cyclase 3; minus strand). Cytogenetic location: 2p23.3.
Variant type: single nucleotide variant.
Coding change: c.407G>A on transcript NM_004036.5 (MANE Select); coding-DNA position 407, G replaced by A.
Protein change: p.Arg136His; replaces arginine 136 with histidine.
Molecular consequence: missense variant.
Genome position (GRCh38, 1-based): chr2:24,918,581, C>T on the plus strand (G>A on the coding strand, the complement: ADCY3 is on the minus strand). VCF-style: chr2-24918581-C-T. GRCh37 (hg19) VCF-style: chr2-25141450-C-T.
Other names: c.407G>A, p.Arg136His (NM_001320613.2, NM_001377128.1, NM_001377129.1 and 2 more transcripts); c.407G>A (NM_004036.3); short protein forms R136H.
Identifiers: ClinVar variation 2635942 (VCV002635942.3), dbSNP rs201922841, ClinGen allele CA1554518.
Genomic context (GRCh38, chr2:24,918,581, plus strand): 5'-CCCAGGTAGGAGAAGATCTGGGCGGTTATGAGCAGCCACAGCACGTAGGGCAGCACTCTG[C>T]GGGTGACCCGGTCCGGGAGCAGCCCCTTTTTGCAGAGCACGAAGAGGATGATGTCCAACA-3'
Protein context (NP_004027.2, residues 126-146): KKGLLPDRVT[Arg136His]RVLPYVLWLL

ClinVar aggregate classification (germline): Uncertain significance. Review status: criteria provided, single submitter (1 of 4 stars). 2 submissions from 2 submitters: Uncertain significance (1). 1 of the submissions does not count toward it. Last evaluated 2024-05-15.

Conditions:
ADCY3-related disorder. Also called: ADCY3-related condition.
Inborn genetic diseases. Identifiers: MedGen C0950123, MeSH D030342.

Allele frequency attached by ClinVar (database versions not stated): gnomAD 0.00005; ExAC 0.00006; ESP Exome Variant Server 0.00008.
gnomAD v4.1: 165 of 1,614,124 alleles (0.01%); highest among the groups gnomAD compares: Non-Finnish European, 0.013%; no homozygotes.

Submissions (2):

Ambry Genetics
Classification: Uncertain significance for Inborn genetic diseases. Last evaluated: 2024-05-15. Review status: criteria provided, single submitter. Criteria: Ambry Variant Classification Scheme 2023. Collection method: clinical testing. Allele origin: germline.

PreventionGenetics, part of Exact Sciences
Classification: Uncertain significance for ADCY3-related condition. Last evaluated: 2024-07-16. Review status: no assertion criteria provided. Collection method: clinical testing. Allele origin: germline. Not counted in ClinVar's aggregate classification.
Comment: The ADCY3 c.407G>A variant is predicted to result in the amino acid substitution p.Arg136His. To our knowledge, this variant has not been reported in the literature. This variant is reported in 0.0088% of alleles in individuals of European (Non-Finnish) descent in gnomAD. At this time, the clinical significance of this variant is uncertain due to the absence of conclusive functional and genetic evidence.